The following is an entry in ClinVar:

ClinVar aggregate classification (germline): Benign/Likely benign. Review status: criteria provided, multiple submitters, no conflicts (2 of 4 stars). 5 submissions from 5 submitters: Benign (1); Likely benign (2). 2 of the submissions do not count toward it. Last evaluated 2025-01-14.

Conditions:
FOXC1-related disorder. Also called: FOXC1-related condition.
Anterior segment dysgenesis 3 (ASGD3). Also called: IRIDOGONIODYSGENESIS ANOMALY, AUTOSOMAL DOMINANT; Glaucoma iridogoniodysplasia, familial. Identifiers: Orphanet 91483, MedGen C5975707, MONDO:0024456, OMIM 601631.

Allele frequency attached by ClinVar (database versions not stated): 1000 Genomes Project 0.00220; 1000 Genomes Project 30x 0.00500; gnomAD exomes 0.00605; TOPMed 0.00987.
gnomAD v4.1: 1,979 of 152,226 alleles (1.3%); highest among the groups gnomAD compares: Non-Finnish European, 2.1%; 33 homozygotes.

Submissions (5):

PreventionGenetics, part of Exact Sciences
Classification: Benign for FOXC1-related condition. Last evaluated: 2025-01-14. Review status: criteria provided, single submitter. Criteria: ACMG Guidelines, 2015. Collection method: clinical testing. Allele origin: germline.
Comment: This variant is classified as benign based on ACMG/AMP sequence variant interpretation guidelines (Richards et al. 2015 PMID: 25741868, with internal and published modifications).

Department of Pathology and Laboratory Medicine, Sinai Health System
Classification: Likely benign for anterior segment dysgenesis 3. Last evaluated: 2023-03-06. Review status: criteria provided, single submitter. Criteria: ACMG Guidelines, 2015. Collection method: research. Allele origin: germline.

GeneDx
Classification: Likely benign. Last evaluated: 2021-05-24. Review status: criteria provided, single submitter. Criteria: GeneDx Variant Classification Process June 2021. Collection method: clinical testing. Allele origin: germline. Affected: yes.
Comment: See Variant Classification Assertion Criteria.

Reproductive Health Research and Development, BGI Genomics
Classification: Benign for Anterior segment dysgenesis 3, multiple subtypes. Last evaluated: 2020-01-06. Review status: no assertion criteria provided. Collection method: curation. Allele origin: germline. Not counted in ClinVar's aggregate classification.
Comment: NG_009368.1(NM_001453.2):c.-244C>T in FOXC1 gene has an allele frequency of 0.041 in European (non-Finnish) subpopulation in the gnomAD database, including 27 homozygous occurrences. Taken together, we interprete this variant as Benign/Likely benign variant. ACMG/AMP criteria applied: BS1, BS2.

Human Genetics School of Medicine of Albacete, Castilla-La Mancha University
Classification: Pathogenic. Review status: no assertion criteria provided. Collection method: not provided. Allele origin: inherited. Not counted in ClinVar's aggregate classification.
Comment: Primary Congenital Glaucoma/Juvenile Open Angle Glaucoma
ClinVar note: Converted during submission from pathogenic to Pathogenic.

NM_001453.3(FOXC1):c.-244C>T

Genes: FOXC1 (forkhead box C1; plus strand), LOC129995600 (ATAC-STARR-seq lymphoblastoid silent region 16824; plus strand). Cytogenetic location: 6p25.3.
Variant type: single nucleotide variant.
Coding change: c.-244C>T on transcript NM_001453.3 (MANE Select); 244 bases upstream of the start codon, C replaced by T.
Molecular consequence: 5 prime UTR variant.
Genome position (GRCh38, 1-based): chr6:1,610,202, C>T. VCF-style: chr6-1610202-C-T. GRCh37 (hg19) VCF-style: chr6-1610437-C-T.
Identifiers: ClinVar variation 183250 (VCV000183250.7), dbSNP rs185790394, ClinGen allele CA235498.